The following is an entry in ClinVar:

ClinVar aggregate classification (germline): Uncertain significance (1 of 4 stars; one submission).

Conditions:
Inborn genetic diseases. Identifiers: MedGen C0950123, MeSH D030342.

Submission:

Ambry Genetics
Classification: Uncertain significance for Inborn genetic diseases. Last evaluated: 2021-10-03. Review status: criteria provided, single submitter. Criteria: Ambry Variant Classification Scheme 2023. Collection method: clinical testing. Allele origin: germline.
Comment: The p.H304Y variant (also known as c.910C>T), located in coding exon 10 of the ERCC2 gene, results from a C to T substitution at nucleotide position 910. The histidine at codon 304 is replaced by tyrosine, an amino acid with similar properties. This amino acid position is conserved. In addition, this alteration is predicted to be tolerated by in silico analysis. Since supporting evidence is limited at this time, the clinical significance of this alteration remains unclear.

NM_000400.4(ERCC2):c.910C>T (p.His304Tyr)

Gene: ERCC2 (ERCC excision repair 2, TFIIH core complex helicase subunit; minus strand). Cytogenetic location: 19q13.32.
Variant type: single nucleotide variant.
Coding change: c.910C>T on transcript NM_000400.4 (MANE Select); coding-DNA position 910, C replaced by T.
Protein change: p.His304Tyr; replaces histidine 304 with tyrosine.
Molecular consequence: missense variant.
Genome position (GRCh38, 1-based): chr19:45,364,025, G>A on the plus strand (C>T on the coding strand, the complement: ERCC2 is on the minus strand). VCF-style: chr19-45364025-G-A. GRCh37 (hg19) VCF-style: chr19-45867283-G-A.
Other names: c.838C>T, p.His280Tyr (NM_001130867.2); short protein forms H304Y, H280Y.
Identifiers: ClinVar variation 1765834 (VCV001765834.2), dbSNP rs2514029773, ClinGen allele CA406373443.